The following is an entry in ClinVar:

NM_006206.6(PDGFRA):c.455C>T (p.Thr152Ile)

Gene: PDGFRA (platelet derived growth factor receptor alpha; plus strand). Cytogenetic location: 4q12.
Variant type: single nucleotide variant.
Coding change: c.455C>T on transcript NM_006206.6 (MANE Select); coding-DNA position 455, C replaced by T.
Protein change: p.Thr152Ile; replaces threonine 152 with isoleucine.
Molecular consequence: missense variant.
Genome position (GRCh38, 1-based): chr4:54,263,754, C>T. VCF-style: chr4-54263754-C-T. GRCh37 (hg19) VCF-style: chr4-55129921-C-T.
Other names: c.455C>T, p.Thr152Ile (NM_001347827.2, NM_001347829.2); c.530C>T, p.Thr177Ile (NM_001347828.2); c.494C>T, p.Thr165Ile (NM_001347830.2); short protein forms T152I, T177I, T165I.
Identifiers: ClinVar variation 528549 (VCV000528549.8), dbSNP rs749430582, ClinGen allele CA2922296.

ClinVar aggregate classification (germline): Uncertain significance. Review status: criteria provided, multiple submitters, no conflicts (2 of 4 stars). 2 submissions from 2 submitters: Uncertain significance (2). Last evaluated 2021-08-28.

Conditions:
Hereditary cancer-predisposing syndrome. Also called: Tumor predisposition; Hereditary neoplastic syndrome; Hereditary Cancer Syndrome; Neoplastic Syndromes, Hereditary. Identifiers: Orphanet 140162, MedGen C0027672, MeSH D009386, MONDO:0015356.
Gastrointestinal stromal tumor. Also called: Gastrointestinal stroma tumor; Gastrointestinal stromal tumor, somatic. Identifiers: Orphanet 44890, MedGen C0238198, MeSH D046152, MONDO:0011719, OMIM 606764, HP:0100723.

Allele frequency attached by ClinVar (database versions not stated): ExAC 0.00001; gnomAD 0.00001; gnomAD exomes 0.00002.
gnomAD v4.1: 11 of 1,613,898 alleles (0.00068%); no homozygotes.

Submissions (2):

Labcorp Genetics (formerly Invitae), Labcorp
Classification: Uncertain significance for Gastrointestinal stromal tumor. Last evaluated: 2021-08-28. Review status: criteria provided, single submitter. Criteria: Invitae Variant Classification Sherloc (09022015). Collection method: clinical testing. Allele origin: germline.

Ambry Genetics
Classification: Uncertain significance for Hereditary cancer-predisposing syndrome. Last evaluated: 2019-11-20. Review status: criteria provided, single submitter. Criteria: Ambry Variant Classification Scheme 2023. Collection method: clinical testing. Allele origin: germline.
Comment: The p.T152I variant (also known as c.455C>T), located in coding exon 3 of the PDGFRA gene, results from a C to T substitution at nucleotide position 455. The threonine at codon 152 is replaced by isoleucine, an amino acid with similar properties. This amino acid position is well conserved in available vertebrate species. In addition, this alteration is predicted to be tolerated by in silico analysis. Since supporting evidence is limited at this time, the clinical significance of this alteration remains unclear.